The following is an entry in ClinVar:

ClinVar aggregate classification (germline): Likely benign (1 of 4 stars; one submission).

gnomAD v4.1: 131 of 1,613,354 alleles (0.0081%); highest among the groups gnomAD compares: Non-Finnish European, 0.011%; no homozygotes.

Submission:

CeGaT Center for Human Genetics Tuebingen
Classification: Likely benign. Last evaluated: 2025-01-01. Review status: criteria provided, single submitter. Criteria: CeGaT Center For Human Genetics Tuebingen Variant Classification Criteria Version 2. Collection method: clinical testing. Allele origin: germline. Affected: yes. Observed: 1 variant allele.
Comment: TRPM2: BP4, BP7

NM_003307.4(TRPM2):c.2511C>T (p.Phe837=)

Gene: TRPM2 (transient receptor potential cation channel subfamily M member 2; plus strand). Cytogenetic location: 21q22.3.
Variant type: single nucleotide variant.
Coding change: c.2511C>T on transcript NM_003307.4 (MANE Select); coding-DNA position 2511, C replaced by T.
Protein change: p.Phe837=; no amino-acid change (phenylalanine 837 retained).
Molecular consequence: synonymous variant. On other transcripts: non-coding transcript variant (1).
Genome position (GRCh38, 1-based): chr21:44,401,870, C>T. VCF-style: chr21-44401870-C-T. GRCh37 (hg19) VCF-style: chr21-45821753-C-T.
Other names: c.2511C>T, p.Phe837= (NM_001320350.2, NM_001320351.2).
Identifiers: ClinVar variation 3771005 (VCV003771005.13).